The following is an entry in ClinVar:

NM_001394062.1(MACF1):c.18275G>A (p.Arg6092Gln)

Gene: MACF1 (microtubule actin crosslinking factor 1; plus strand). Cytogenetic location: 1p34.3.
Variant type: single nucleotide variant.
Coding change: c.18275G>A on transcript NM_001394062.1 (MANE Select); coding-DNA position 18275, G replaced by A.
Protein change: p.Arg6092Gln; replaces arginine 6092 with glutamine.
Molecular consequence: missense variant.
Genome position (GRCh38, 1-based): chr1:39,439,328, G>A. VCF-style: chr1-39439328-G-A. GRCh37 (hg19) VCF-style: chr1-39905000-G-A.
Other names: c.6353G>A, p.Arg2118Gln (NM_001397473.1); c.12098G>A, p.Arg4033Gln (NM_012090.5); c.12098G>A (NM_012090.4); short protein forms R6092Q, R2118Q, R4033Q.
Identifiers: ClinVar variation 2162582 (VCV002162582.5), dbSNP rs201207653, ClinGen allele CA783853.

ClinVar aggregate classification (germline): Conflicting classifications of pathogenicity. Review status: criteria provided, conflicting classifications (1 of 4 stars). 2 submissions from 2 submitters: Uncertain significance (1); Likely benign (1). Last evaluated 2025-10-23.

Conditions:
Inborn genetic diseases. Identifiers: MedGen C0950123, MeSH D030342.

Allele frequency attached by ClinVar (database versions not stated): gnomAD exomes 0.00001; ExAC 0.00002; gnomAD 0.00003; TOPMed 0.00004; 1000 Genomes Project 30x 0.00031; 1000 Genomes Project 0.00040.
gnomAD v4.1: 26 of 1,613,930 alleles (0.0016%); highest among the groups gnomAD compares: Admixed American, 0.013%; no homozygotes.

Submissions (2):

Ambry Genetics
Classification: Likely benign for Inborn genetic diseases. Last evaluated: 2025-10-23. Review status: criteria provided, single submitter. Criteria: Ambry Variant Classification Scheme 2023. Collection method: clinical testing. Allele origin: germline.

Labcorp Genetics (formerly Invitae), Labcorp
Classification: Uncertain significance. Last evaluated: 2024-06-03. Review status: criteria provided, single submitter. Criteria: Invitae Variant Classification Sherloc (09022015). Collection method: clinical testing. Allele origin: germline.
Comment: This sequence change replaces arginine, which is basic and polar, with glutamine, which is neutral and polar, at codon 4033 of the MACF1 protein (p.Arg4033Gln). This variant is present in population databases (rs201207653, gnomAD 0.006%). This variant has not been reported in the literature in individuals affected with MACF1-related conditions. ClinVar contains an entry for this variant (Variation ID: 2162582). Algorithms developed to predict the effect of missense changes on protein structure and function output the following: SIFT: "Not Available"; PolyPhen-2: "Benign"; Align-GVGD: "Not Available". The glutamine amino acid residue is found in multiple mammalian species, which suggests that this missense change does not adversely affect protein function. In summary, the available evidence is currently insufficient to determine the role of this variant in disease. Therefore, it has been classified as a Variant of Uncertain Significance.